The following is an entry in ClinVar:

NM_000368.5(TSC1):c.1167A>T (p.Gly389=)

Gene: TSC1 (TSC complex subunit 1; minus strand). Cytogenetic location: 9q34.13.
Variant type: single nucleotide variant.
Coding change: c.1167A>T on transcript NM_000368.5 (MANE Select); coding-DNA position 1167, A replaced by T.
Protein change: p.Gly389=; no amino-acid change (glycine 389 retained).
Molecular consequence: synonymous variant.
Genome position (GRCh38, 1-based): chr9:132,910,667, T>A on the plus strand (A>T on the coding strand, the complement: TSC1 is on the minus strand). VCF-style: chr9-132910667-T-A. GRCh37 (hg19) VCF-style: chr9-135786054-T-A.
Other names: c.1164A>T, p.Gly388= (NM_001162426.2); c.1014A>T, p.Gly338= (NM_001162427.2); c.804A>T, p.Gly268= (NM_001362177.2).
Identifiers: ClinVar variation 233904 (VCV000233904.18), dbSNP rs876660723, ClinGen allele CA10578828.

ClinVar aggregate classification (germline): Benign/Likely benign. Review status: criteria provided, multiple submitters, no conflicts (2 of 4 stars). 5 submissions from 5 submitters: Benign (1); Likely benign (4). Last evaluated 2025-04-20.

Conditions:
Hereditary cancer-predisposing syndrome. Also called: Neoplastic Syndromes, Hereditary; Hereditary Cancer Syndrome; Tumor predisposition; Hereditary neoplastic syndrome. Identifiers: Orphanet 140162, MedGen C0027672, MeSH D009386, MONDO:0015356.
Tuberous sclerosis 1 (TSC1). Identifiers: Orphanet 805, MedGen C1854465, MONDO:0008612, OMIM 191100.

Allele frequency attached by ClinVar (database versions not stated): gnomAD exomes below 0.00001 and 0.00001.
gnomAD v4.1: 12 of 1,613,974 alleles (0.00074%); highest among the groups gnomAD compares: Non-Finnish European, 0.001%; no homozygotes.

Submissions (5):

Labcorp Genetics (formerly Invitae), Labcorp
Classification: Likely benign for Tuberous sclerosis 1. Last evaluated: 2025-04-20. Review status: criteria provided, single submitter. Criteria: Invitae Variant Classification Sherloc (09022015). Collection method: clinical testing. Allele origin: germline.

Myriad Genetics, Inc.
Classification: Benign for Tuberous sclerosis 1. Last evaluated: 2025-04-09. Review status: criteria provided, single submitter. Criteria: Myriad Autosomal Dominant, Autosomal Recessive and X-Linked Classification Criteria (2023). Collection method: clinical testing. Allele origin: unknown.
Comment: This variant is considered benign. This variant is a silent/synonymous amino acid change and it is not expected to impact splicing.

Blueprint Genetics
Classification: Likely benign. Last evaluated: 2023-11-09. Review status: criteria provided, single submitter. Criteria: ACMG Guidelines, 2015. Collection method: clinical testing. Allele origin: germline.

Genome-Nilou Lab
Classification: Likely benign for Tuberous sclerosis 1. Last evaluated: 2021-11-07. Review status: criteria provided, single submitter. Criteria: ACMG Guidelines, 2015. Collection method: clinical testing. Allele origin: germline. Affected: no.

Ambry Genetics
Classification: Likely benign for Hereditary cancer-predisposing syndrome. Last evaluated: 2015-09-16. Review status: criteria provided, single submitter. Criteria: Ambry Variant Classification Scheme 2023. Collection method: clinical testing. Allele origin: germline.